The following is an entry in ClinVar:

NM_002887.4(RARS1):c.160C>T (p.Arg54Ter)

Gene: RARS1 (arginyl-tRNA synthetase 1; plus strand). Cytogenetic location: 5q34.
Variant type: single nucleotide variant.
Coding change: c.160C>T on transcript NM_002887.4 (MANE Select); coding-DNA position 160, C replaced by T.
Protein change: p.Arg54Ter; replaces arginine 54 with a stop codon.
Molecular consequence: nonsense.
Genome position (GRCh38, 1-based): chr5:168,488,716, C>T. VCF-style: chr5-168488716-C-T. GRCh37 (hg19) VCF-style: chr5-167915721-C-T.
Other names: short protein forms R54*.
Identifiers: ClinVar variation 3613640 (VCV003613640.2).

ClinVar aggregate classification (germline): Pathogenic (1 of 4 stars; one submission).

Submission:

Labcorp Genetics (formerly Invitae), Labcorp
Classification: Pathogenic. Last evaluated: 2025-10-02. Review status: criteria provided, single submitter. Criteria: Invitae Variant Classification Sherloc (09022015). Collection method: clinical testing. Allele origin: germline.
Comment: This sequence change creates a premature translational stop signal (p.Arg54*) in the RARS gene. It is expected to result in an absent or disrupted protein product. Loss-of-function variants in RARS are known to be pathogenic (PMID: 24777941). This variant is not present in population databases (gnomAD no frequency). This variant has not been reported in the literature in individuals affected with RARS-related conditions. ClinVar contains an entry for this variant (Variation ID: 3613640). For these reasons, this variant has been classified as Pathogenic.

Literature cited by the submitters: PubMed 24777941.